The following is an entry in ClinVar:

NM_021922.3(FANCE):c.931dup (p.Val311fs)

Gene: FANCE (FA complementation group E; plus strand). Cytogenetic location: 6p21.31.
Variant type: Duplication.
Coding change: c.931dup on transcript NM_021922.3 (MANE Select); coding-DNA position 931, one base duplicated (G; older notation c.931dupG).
Protein change: p.Val311fs; shifts the reading frame from valine 311.
Molecular consequence: frameshift variant.
Genome position (GRCh38, 1-based): chr6:35,457,946, G duplicated. VCF-style (leftmost placement, unchanged base first): chr6-35457945-A-AG. GRCh37 (hg19) VCF-style: chr6-35425722-A-AG.
Other names: c.931dup, p.Val311fs (NM_001410876.1); short protein forms V311fs.
Identifiers: ClinVar variation 2835298 (VCV002835298.3), dbSNP rs2533669526, ClinGen allele CA2739272989.
Genomic context (GRCh38, chr6:35,457,945, plus strand): 5'-GCCAGCCCTAACATGAGATTTGTCTCCCCAGGGGTTAGAGGGATTGGAGGATGCCCCCCC[A>AG]GTTGAGCTACAGCTTCTTCACGAATGTAGTCCCAGCCAGGTGAGTCCAGATGACTGCCTG-3'

ClinVar aggregate classification (germline): Pathogenic (1 of 4 stars; one submission).

Conditions:
Fanconi anemia complementation group E (FANCE). Also called: FANCE-Related Fanconi Anemia. Identifiers: Orphanet 84, MedGen C3160739, MONDO:0010953, OMIM 600901.

Submission:

Labcorp Genetics (formerly Invitae), Labcorp
Classification: Pathogenic for Fanconi anemia complementation group E. Last evaluated: 2023-02-08. Review status: criteria provided, single submitter. Criteria: Invitae Variant Classification Sherloc (09022015). Collection method: clinical testing. Allele origin: germline.
Comment: For these reasons, this variant has been classified as Pathogenic. This variant has not been reported in the literature in individuals affected with FANCE-related conditions. This variant is not present in population databases (gnomAD no frequency). This sequence change creates a premature translational stop signal (p.Val311Glyfs*2) in the FANCE gene. It is expected to result in an absent or disrupted protein product. Loss-of-function variants in FANCE are known to be pathogenic (PMID: 11001585, 17924555).

Literature cited by the submitters: PubMed 11001585; PubMed 17924555.